The following is an entry in ClinVar:

NM_000051.4(ATM):c.8672-1G>T

Genes: ATM (ATM serine/threonine kinase; plus strand), C11orf65 (chromosome 11 open reading frame 65; minus strand). Cytogenetic location: 11q22.3.
Variant type: single nucleotide variant.
Coding change: c.8672-1G>T on transcript NM_000051.4 (MANE Select); the canonical splice acceptor site of the intron before coding-DNA position 8672, G replaced by T.
Molecular consequence: splice acceptor variant. On other transcripts: intron variant (2).
Genome position (GRCh38, 1-based): chr11:108,353,765, G>T. VCF-style: chr11-108353765-G-T. GRCh37 (hg19) VCF-style: chr11-108224492-G-T.
Other names: c.8672-1G>T (NM_001351834.2); c.640+32155C>A (NM_001330368.2); c.695-18473C>A (NM_001351110.2).
Identifiers: ClinVar variation 232941 (VCV000232941.7), dbSNP rs876660088, ClinGen allele CA10579314.

ClinVar aggregate classification (germline): Likely pathogenic (1 of 4 stars; one submission).

Conditions:
Hereditary cancer-predisposing syndrome. Also called: Neoplastic Syndromes, Hereditary; Hereditary neoplastic syndrome; Tumor predisposition; Hereditary Cancer Syndrome. Identifiers: Orphanet 140162, MedGen C0027672, MeSH D009386, MONDO:0015356.

Submission:

Ambry Genetics
Classification: Likely pathogenic for Hereditary cancer-predisposing syndrome. Last evaluated: 2016-01-24. Review status: criteria provided, single submitter. Criteria: Ambry Variant Classification Scheme 2023. Collection method: clinical testing. Allele origin: germline.
Comment: The c.8672-1G>T intronic variant results from a G to T substitution one nucleotide upstream from coding exon 59 of the ATM gene. This variant was not reported in population based cohorts in the following databases: Database of Single Nucleotide Polymorphisms (dbSNP), NHLBI Exome Sequencing Project (ESP), and 1000 Genomes Project. In the ESP, this variant was not observed in 6499 samples (12998 alleles) with coverage at this position. To date, this alteration has been detected with an allele frequency of approximately 0.001% (greater than 125000 alleles tested) in our clinical cohort. This nucleotide position is highly conserved in available vertebrate species. Using the BDGP and ESEfinder splice site prediction tools, this alteration is predicted to abolish the native splice acceptor site; however, direct experimental evidence is unavailable. Alterations that disrupt the canonical splice acceptor site are typically deleterious in nature (ACMG Recommendations for Standards for Interpretation and Reporting of Sequence Variations. Revision 2007. Genet Med. 2008;10:294). As such, the c.8672-1G>T variant is classified as likely pathogenic.

Literature cited by the submitters: PubMed 21933854.